The following is an entry in ClinVar:

ClinVar aggregate classification (germline): Uncertain significance (1 of 4 stars; one submission).

Submission:

CeGaT Center for Human Genetics Tuebingen
Classification: Uncertain significance. Last evaluated: 2024-09-01. Review status: criteria provided, single submitter. Criteria: CeGaT Center For Human Genetics Tuebingen Variant Classification Criteria Version 2. Collection method: clinical testing. Allele origin: germline. Affected: yes. Observed: 1 variant allele.
Comment: ZIC2: PM2, PP2

NM_007129.5(ZIC2):c.469C>A (p.Leu157Ile)

Gene: ZIC2 (Zic family zinc finger 2; plus strand). Cytogenetic location: 13q32.3.
Variant type: single nucleotide variant.
Coding change: c.469C>A on transcript NM_007129.5 (MANE Select); coding-DNA position 469, C replaced by A.
Protein change: p.Leu157Ile; replaces leucine 157 with isoleucine.
Molecular consequence: missense variant.
Genome position (GRCh38, 1-based): chr13:99,982,533, C>A. VCF-style: chr13-99982533-C-A. GRCh37 (hg19) VCF-style: chr13-100634787-C-A.
Other names: short protein forms L157I.
Identifiers: ClinVar variation 3389670 (VCV003389670.14).